The following is an entry in ClinVar:

NM_001061.7(TBXAS1):c.689-1G>A

Gene: TBXAS1 (thromboxane A synthase 1; plus strand). Cytogenetic location: 7q34.
Variant type: single nucleotide variant.
Coding change: c.689-1G>A on transcript NM_001061.7 (MANE Select); the canonical splice acceptor site of the intron before coding-DNA position 689, G replaced by A.
Molecular consequence: splice acceptor variant.
Genome position (GRCh38, 1-based): chr7:139,957,633, G>A. VCF-style: chr7-139957633-G-A. GRCh37 (hg19) VCF-style: chr7-139657432-G-A.
Other names: c.689-1G>A (NM_001130966.5, NM_030984.6); c.488-1G>A (NM_001166254.4); c.632-1G>A (NM_001314028.4); c.827-1G>A (NM_001166253.4); c.506-1G>A (NM_001366537.3).
Identifiers: ClinVar variation 5019047 (VCV005019047.2).

ClinVar aggregate classification (germline): Likely pathogenic (1 of 4 stars; one submission).

Conditions:
Ghosal hematodiaphyseal dysplasia. Also called: Ghosal hematodiaphyseal syndrome. Identifiers: Orphanet 1802, MedGen C1856465, MONDO:0009274, OMIM 231095.

Submission:

Juno Genomics, Hangzhou Juno Genomics, Inc
Classification: Likely pathogenic for Ghosal hematodiaphyseal dysplasia. Review status: criteria provided, single submitter. Criteria: ACMG Guidelines, 2015. Collection method: clinical testing. Allele origin: germline.
Comment: Absent from controls (or at extremely low frequency if recessive) in Genome Aggregation Database.;Null variant in a gene where loss of function (LOF) is a known mechanism of disease.